The following is an entry in ClinVar:

NM_024537.4(CARS2):c.53C>T (p.Ala18Val)

Genes: CARS2 (cysteinyl-tRNA synthetase 2, mitochondrial; minus strand), LOC130010127 (ATAC-STARR-seq lymphoblastoid silent region 5509; plus strand). Cytogenetic location: 13q34.
Variant type: single nucleotide variant.
Coding change: c.53C>T on transcript NM_024537.4 (MANE Select); coding-DNA position 53, C replaced by T.
Protein change: p.Ala18Val; replaces alanine 18 with valine.
Molecular consequence: missense variant. On other transcripts: non-coding transcript variant (1), intron variant (1).
Genome position (GRCh38, 1-based): chr13:110,706,041, G>A on the plus strand (C>T on the coding strand, the complement: CARS2 is on the minus strand). VCF-style: chr13-110706041-G-A. GRCh37 (hg19) VCF-style: chr13-111358388-G-A.
Other names: c.53C>T, p.Ala18Val (NM_001352253.3); c.-776+330C>T (NM_001352252.2); short protein forms A18V.
Identifiers: ClinVar variation 2021888 (VCV002021888.2), dbSNP rs1295368394, ClinGen allele CA388743432.
Genomic context (GRCh38, chr13:110,706,041, plus strand): 5'-CGCCCCCCGCTCGCCGCCCGGCCCGCAGGCCAGTGCCACCCAGCCCGCCCAAGGCCCAGC[G>A]CGGCCTGGAGCAGCGGGGGGCCCAGGCCTGGGCCGCGCGTAGTCCTCAACATGTCAGCGG-3'
Protein context (NP_078813.1, residues 8-28): PGLGPPLLQA[Ala18Val]LGLGRAGWHW

ClinVar aggregate classification (germline): Uncertain significance (1 of 4 stars; one submission).

Conditions:
Combined oxidative phosphorylation defect type 27. Also called: Combined oxidative phosphorylation deficiency 27. Identifiers: Orphanet 477774, MedGen C5567608, MONDO:0014728, OMIM 616672.

Allele frequency attached by ClinVar (database versions not stated): gnomAD 0.00001.
gnomAD v4.1: 9 of 1,368,748 alleles (0.00066%); highest among the groups gnomAD compares: Admixed American, 0.0032%; no homozygotes.

Submission:

Labcorp Genetics (formerly Invitae), Labcorp
Classification: Uncertain significance for Combined oxidative phosphorylation defect type 27. Last evaluated: 2022-03-18. Review status: criteria provided, single submitter. Criteria: Invitae Variant Classification Sherloc (09022015). Collection method: clinical testing. Allele origin: germline.
Comment: This variant has not been reported in the literature in individuals affected with CARS2-related conditions. This variant is present in population databases (no rsID available, gnomAD 0.01%). This sequence change replaces alanine, which is neutral and non-polar, with valine, which is neutral and non-polar, at codon 18 of the CARS2 protein (p.Ala18Val). Algorithms developed to predict the effect of missense changes on protein structure and function are either unavailable or do not agree on the potential impact of this missense change (SIFT: "Tolerated"; PolyPhen-2: "Not Available"; Align-GVGD: "Class C0"). In summary, the available evidence is currently insufficient to determine the role of this variant in disease. Therefore, it has been classified as a Variant of Uncertain Significance.